The following is an entry in ClinVar:

ClinVar aggregate classification (germline): Uncertain significance (1 of 4 stars; one submission).

Submission:

GeneDx
Classification: Uncertain significance. Last evaluated: 2025-04-25. Review status: criteria provided, single submitter. Criteria: GeneDx Variant Classification Process June 2021. Collection method: clinical testing. Allele origin: germline. Affected: yes.
Comment: Not observed at significant frequency in large population cohorts (gnomAD); In silico analysis indicates that this missense variant does not alter protein structure/function; Has not been previously published as pathogenic or benign to our knowledge

NM_001130438.3(SPTAN1):c.286T>G (p.Ser96Ala)

Gene: SPTAN1 (spectrin alpha, non-erythrocytic 1; plus strand). Cytogenetic location: 9q34.11.
Variant type: single nucleotide variant.
Coding change: c.286T>G on transcript NM_001130438.3 (MANE Select); coding-DNA position 286, T replaced by G.
Protein change: p.Ser96Ala; replaces serine 96 with alanine.
Molecular consequence: missense variant.
Genome position (GRCh38, 1-based): chr9:128,568,820, T>G. VCF-style: chr9-128568820-T-G. GRCh37 (hg19) VCF-style: chr9-131331099-T-G.
Other names: c.286T>G, p.Ser96Ala (NM_001195532.2, NM_001363759.2, NM_001363765.2 and 10 more transcripts); c.322T>G, p.Ser108Ala (NM_001375312.2, NM_001375318.1, NM_001438440.1); short protein forms S108A, S96A.
Identifiers: ClinVar variation 4527149 (VCV004527149.1).
Genomic context (GRCh38, chr9:128,568,820, plus strand): 5'-GTCCGCCAACAGGGAAAGCTTCAGAAGCATCAAGCATTTGAAGCTGAAGTGCAGGCCAAC[T>G]CAGGAGCCATTGTTAAGCTGGATGAAACTGGAAACCTGATGATCTCAGAAGGGCATTTTG-3'
Protein context (NP_001123910.1, residues 86-106): QAFEAEVQAN[Ser96Ala]GAIVKLDETG